The following is an entry in ClinVar:

ClinVar aggregate classification (germline): Uncertain significance. Review status: criteria provided, multiple submitters, no conflicts (2 of 4 stars). 2 submissions from 2 submitters: Uncertain significance (2). Last evaluated 2022-02-03.

Conditions:
Hereditary cancer-predisposing syndrome. Also called: Hereditary Cancer Syndrome; Neoplastic Syndromes, Hereditary; Hereditary neoplastic syndrome; Tumor predisposition. Identifiers: Orphanet 140162, MedGen C0027672, MeSH D009386, MONDO:0015356.

Submissions (2):

Color Diagnostics, LLC DBA Color Health
Classification: Uncertain significance for Hereditary cancer-predisposing syndrome. Last evaluated: 2022-02-03. Review status: criteria provided, single submitter. Criteria: ACMG Guidelines, 2015. Collection method: clinical testing. Allele origin: germline.
Comment: This missense variant replaces phenylalanine with leucine at codon 652 of the ATM protein. Computational prediction suggests that this variant may not impact protein structure and function (internally defined REVEL score threshold <= 0.5, PMID: 27666373). To our knowledge, functional studies have not been reported for this variant. This variant has not been reported in individuals affected with hereditary cancer in the literature. This variant has not been identified in the general population by the Genome Aggregation Database (gnomAD). The available evidence is insufficient to determine the role of this variant in disease conclusively. Therefore, this variant is classified as a Variant of Uncertain Significance.

Ambry Genetics
Classification: Uncertain significance for Hereditary cancer-predisposing syndrome. Last evaluated: 2013-05-06. Review status: criteria provided, single submitter. Criteria: Ambry Autosomal Dominant and X-Linked criteria (10/2015). Collection method: clinical testing. Allele origin: germline. Observed: 1 variant allele.
Comment: There is insufficient or conflicting evidence for classification of this alteration.

NM_000051.4(ATM):c.1956T>G (p.Phe652Leu)

Gene: ATM (ATM serine/threonine kinase; plus strand). Cytogenetic location: 11q22.3.
Variant type: single nucleotide variant.
Coding change: c.1956T>G on transcript NM_000051.4 (MANE Select); coding-DNA position 1956, T replaced by G.
Protein change: p.Phe652Leu; replaces phenylalanine 652 with leucine.
Molecular consequence: missense variant.
Genome position (GRCh38, 1-based): chr11:108,253,871, T>G. VCF-style: chr11-108253871-T-G. GRCh37 (hg19) VCF-style: chr11-108124598-T-G.
Other names: c.1956T>G, p.Phe652Leu (NM_001351834.2); short protein forms F652L.
Identifiers: ClinVar variation 142558 (VCV000142558.7), dbSNP rs587782544, ClinGen allele CA168700.
Genomic context (GRCh38, chr11:108,253,871, plus strand): 5'-AAGTGAACACCACCAAAAAGATAAAGAAGAACTTTCATTCTCAGAAGTAGAAGAACTATT[T>G]CTTCAGACAACTTTTGACAAGATGGACTTTTTAACCATTGTGAGAGAATGTGGTATAGAA-3'
Protein context (NP_000042.3, residues 642-662): ELSFSEVEEL[Phe652Leu]LQTTFDKMDF